The following is an entry in ClinVar:

ClinVar aggregate classification (germline): Pathogenic (1 of 4 stars; one submission).

Conditions:
Spastic paraplegia. Identifiers: MedGen C0037772, HP:0001258.

Submission:

Labcorp Genetics (formerly Invitae), Labcorp
Classification: Pathogenic for Spastic paraplegia. Last evaluated: 2022-02-11. Review status: criteria provided, single submitter. Criteria: Invitae Variant Classification Sherloc (09022015). Collection method: clinical testing. Allele origin: germline.
Comment: This sequence change creates a premature translational stop signal (p.Asp1568Thrfs*6) in the SACS gene. While this is not anticipated to result in nonsense mediated decay, it is expected to disrupt the last 3012 amino acid(s) of the SACS protein. This variant is not present in population databases (gnomAD no frequency). This variant has not been reported in the literature in individuals affected with SACS-related conditions. This variant disrupts a region of the SACS protein in which other variant(s) (p.Asn4549Asp) have been determined to be pathogenic (PMID: 15156359, 21507954). This suggests that this is a clinically significant region of the protein, and that variants that disrupt it are likely to be disease-causing. For these reasons, this variant has been classified as Pathogenic.

Literature cited by the submitters: PubMed 15156359; PubMed 21507954.

NM_014363.6(SACS):c.4701del (p.Asp1568fs)

Gene: SACS (sacsin molecular chaperone; minus strand). Cytogenetic location: 13q12.12.
Variant type: Deletion.
Coding change: c.4701del on transcript NM_014363.6 (MANE Select); coding-DNA position 4701, one base deleted (T; older notation c.4701delT).
Protein change: p.Asp1568fs; shifts the reading frame from aspartic acid 1568.
Molecular consequence: frameshift variant.
Genome position (GRCh38, 1-based): chr13:23,339,175, A deleted on the plus strand (T on the coding strand, the reverse complement: SACS is on the minus strand). VCF-style (leftmost placement, unchanged base first): chr13-23339174-CA-C. GRCh37 (hg19) VCF-style: chr13-23913313-CA-C.
Other names: c.4260del, p.Asp1421fs (NM_001278055.2); short protein forms D1568fs, D1421fs.
Identifiers: ClinVar variation 2096336 (VCV002096336.4), dbSNP rs2542277959, ClinGen allele CA2580086873.
Genomic context (GRCh38, chr13:23,339,174, plus strand): 5'-TATGATTTATGTTTGGATCGAACATTATCATGAATTCCCGACTCATAATGATGGGAATGT[CA>C]GTGATATGGTACACAGAATTAAATCCAAGACCAAATTTTCCAACTTTGTCAACTTCTCCC-3'